The following is an entry in ClinVar:

NM_016011.5(MECR):c.341C>T (p.Ala114Val)

Gene: MECR (mitochondrial trans-2-enoyl-CoA reductase; minus strand). Cytogenetic location: 1p35.3.
Variant type: single nucleotide variant.
Coding change: c.341C>T on transcript NM_016011.5 (MANE Select); coding-DNA position 341, C replaced by T.
Protein change: p.Ala114Val; replaces alanine 114 with valine.
Molecular consequence: missense variant. On other transcripts: non-coding transcript variant (4).
Genome position (GRCh38, 1-based): chr1:29,216,070, G>A on the plus strand (C>T on the coding strand, the complement: MECR is on the minus strand). VCF-style: chr1-29216070-G-A. GRCh37 (hg19) VCF-style: chr1-29542582-G-A.
Other names: c.113C>T, p.Ala38Val (NM_001024732.4, NM_001349711.2, NM_001349712.2 and 2 more transcripts); c.446C>T, p.Ala149Val (NM_001349715.2); c.425C>T, p.Ala142Val (NM_001349716.2); c.191C>T, p.Ala64Val (NM_001349717.2); c.341C>T (NM_016011.2); short protein forms A38V, A149V, A64V, A114V, A142V.
Identifiers: ClinVar variation 1427158 (VCV001427158.29), dbSNP rs138259600, ClinGen allele CA725831.

ClinVar aggregate classification (germline): Conflicting classifications of pathogenicity. Review status: criteria provided, conflicting classifications (1 of 4 stars). 4 submissions from 4 submitters: Uncertain significance (3); Likely benign (1). Last evaluated 2026-04-01.

Conditions:
Inborn genetic diseases. Identifiers: MedGen C0950123, MeSH D030342.

Allele frequency attached by ClinVar (database versions not stated): TOPMed 0.00021; ExAC 0.00022; gnomAD 0.00025 and 0.00026; gnomAD exomes 0.00026 and 0.00027; ESP Exome Variant Server 0.00054.
gnomAD v4.1: 422 of 1,613,972 alleles (0.026%); highest among the groups gnomAD compares: Middle Eastern, 0.049%; 3 homozygotes.

Submissions (4):

CeGaT Center for Human Genetics Tuebingen
Classification: Likely benign. Last evaluated: 2026-04-01. Review status: criteria provided, single submitter. Criteria: CeGaT Center For Human Genetics Tuebingen Variant Classification Criteria Version 2. Collection method: clinical testing. Allele origin: germline. Affected: yes. Observed: 3 variant alleles.
Comment: MECR: BP4

GeneDx
Classification: Uncertain significance. Last evaluated: 2024-03-08. Review status: criteria provided, single submitter. Criteria: GeneDx Variant Classification Process June 2021. Collection method: clinical testing. Allele origin: germline. Affected: yes.
Comment: In silico analysis supports that this missense variant does not alter protein structure/function; Has not been previously published as pathogenic or benign to our knowledge

Ambry Genetics
Classification: Uncertain significance for Inborn genetic diseases. Last evaluated: 2023-09-22. Review status: criteria provided, single submitter. Criteria: Ambry Variant Classification Scheme 2023. Collection method: clinical testing. Allele origin: germline.

Labcorp Genetics (formerly Invitae), Labcorp
Classification: Uncertain significance. Last evaluated: 2022-08-22. Review status: criteria provided, single submitter. Criteria: Invitae Variant Classification Sherloc (09022015). Collection method: clinical testing. Allele origin: germline.
Comment: This sequence change replaces alanine, which is neutral and non-polar, with valine, which is neutral and non-polar, at codon 114 of the MECR protein (p.Ala114Val). This variant is present in population databases (rs138259600, gnomAD 0.1%). This variant has not been reported in the literature in individuals affected with MECR-related conditions. ClinVar contains an entry for this variant (Variation ID: 1427158). Algorithms developed to predict the effect of missense changes on protein structure and function (SIFT, PolyPhen-2, Align-GVGD) all suggest that this variant is likely to be tolerated. In summary, the available evidence is currently insufficient to determine the role of this variant in disease. Therefore, it has been classified as a Variant of Uncertain Significance.